The following is an entry in ClinVar:

ClinVar aggregate classification (germline): Uncertain significance. Review status: criteria provided, multiple submitters, no conflicts (2 of 4 stars). 2 submissions from 2 submitters: Uncertain significance (2). Last evaluated 2025-06-24.

Conditions:
Hereditary cancer-predisposing syndrome. Also called: Neoplastic Syndromes, Hereditary; Tumor predisposition; Hereditary neoplastic syndrome; Hereditary Cancer Syndrome. Identifiers: Orphanet 140162, MedGen C0027672, MeSH D009386, MONDO:0015356.
Mitochondrial complex II deficiency, nuclear type 1. Also called: SUCCINATE CoQ REDUCTASE DEFICIENCY. Identifiers: Orphanet 3208, MedGen C5700310, MONDO:0100294, OMIM 252011.
Pheochromocytoma/paraganglioma syndrome 5. Also called: Paragangliomas 5; SDHA-Related Hereditary Paraganglioma-Pheochromocytoma Syndrome. Identifiers: Orphanet 29072, MedGen C3279992, MONDO:0013602, OMIM 614165.

Allele frequency attached by ClinVar (database versions not stated): gnomAD 0.00001.
gnomAD v4.1: 3 of 1,613,944 alleles (0.00019%); highest among the groups gnomAD compares: Admixed American, 0.005%; no homozygotes.

Submissions (2):

Labcorp Genetics (formerly Invitae), Labcorp
Classification: Uncertain significance for Pheochromocytoma/paraganglioma syndrome 5; Mitochondrial complex II deficiency, nuclear type 1. Last evaluated: 2025-06-24. Review status: criteria provided, single submitter. Criteria: Invitae Variant Classification Sherloc (09022015). Collection method: clinical testing. Allele origin: germline.
Comment: This sequence change replaces methionine, which is neutral and non-polar, with isoleucine, which is neutral and non-polar, at codon 347 of the SDHA protein (p.Met347Ile). This variant is not present in population databases (gnomAD no frequency). This variant has not been reported in the literature in individuals affected with SDHA-related conditions. ClinVar contains an entry for this variant (Variation ID: 578162). Invitae Evidence Modeling of protein sequence and biophysical properties (such as structural, functional, and spatial information, amino acid conservation, physicochemical variation, residue mobility, and thermodynamic stability) indicates that this missense variant is not expected to disrupt SDHA protein function with a negative predictive value of 95%. In summary, the available evidence is currently insufficient to determine the role of this variant in disease. Therefore, it has been classified as a Variant of Uncertain Significance.

Ambry Genetics
Classification: Uncertain significance for Hereditary cancer-predisposing syndrome. Last evaluated: 2024-11-10. Review status: criteria provided, single submitter. Criteria: Ambry Variant Classification Scheme 2023. Collection method: clinical testing. Allele origin: germline.
Comment: The p.M347I variant (also known as c.1041G>A), located in coding exon 8 of the SDHA gene, results from a G to A substitution at nucleotide position 1041. The methionine at codon 347 is replaced by isoleucine, an amino acid with highly similar properties. This amino acid position is highly conserved in available vertebrate species. In addition, the in silico prediction for this alteration is inconclusive. Since supporting evidence is limited at this time, the clinical significance of this alteration remains unclear.

NM_004168.4(SDHA):c.1041G>A (p.Met347Ile)

Gene: SDHA (succinate dehydrogenase complex flavoprotein subunit A; plus strand). Cytogenetic location: 5p15.33.
Variant type: single nucleotide variant.
Coding change: c.1041G>A on transcript NM_004168.4 (MANE Select); coding-DNA position 1041, G replaced by A.
Protein change: p.Met347Ile; replaces methionine 347 with isoleucine.
Molecular consequence: missense variant.
Genome position (GRCh38, 1-based): chr5:233,622, G>A. VCF-style: chr5-233622-G-A. GRCh37 (hg19) VCF-style: chr5-233737-G-A.
Other names: c.897G>A, p.Met299Ile (NM_001294332.2); c.1041G>A, p.Met347Ile (NM_001330758.2); short protein forms M347I, M299I.
Identifiers: ClinVar variation 578162 (VCV000578162.12), dbSNP rs1560994934, ClinGen allele CA359012952.